The following is an entry in ClinVar:

NM_000059.4(BRCA2):c.1322C>T (p.Thr441Ile)

Gene: BRCA2 (BRCA2 DNA repair associated; plus strand). Cytogenetic location: 13q13.1.
Variant type: single nucleotide variant.
Coding change: c.1322C>T on transcript NM_000059.4 (MANE Select); coding-DNA position 1322, C replaced by T.
Protein change: p.Thr441Ile; replaces threonine 441 with isoleucine.
Molecular consequence: missense variant.
Genome position (GRCh38, 1-based): chr13:32,332,800, C>T. VCF-style: chr13-32332800-C-T. GRCh37 (hg19) VCF-style: chr13-32906937-C-T.
Other names: short protein forms T441I.
Identifiers: ClinVar variation 418077 (VCV000418077.10), dbSNP rs1064793062, ClinGen allele CA16619657.

ClinVar aggregate classification (germline): Conflicting classifications of pathogenicity. Review status: criteria provided, conflicting classifications (1 of 4 stars). 4 submissions from 4 submitters: Uncertain significance (3); Likely benign (1). Last evaluated 2023-03-23.

Conditions:
Hereditary cancer-predisposing syndrome. Also called: Hereditary neoplastic syndrome; Tumor predisposition; Neoplastic Syndromes, Hereditary; Hereditary Cancer Syndrome. Identifiers: Orphanet 140162, MedGen C0027672, MeSH D009386, MONDO:0015356.
Hereditary breast ovarian cancer syndrome. Also called: Hereditary breast and ovarian cancer; Hereditary breast and/or ovarian cancer syndrome; Hereditary breast and ovarian cancer syndrome; Hereditary breast and ovarian cancer syndrome (HBOC); Breast and ovarian cancer; BRCA1- and BRCA2-Associated Hereditary Breast and Ovarian Cancer. Identifiers: Orphanet 145, MedGen C0677776, MeSH D061325, MONDO:0003582. Disease mechanism: loss of function.

Submissions (4):

University of Washington Department of Laboratory Medicine, University of Washington
Classification: Likely benign for Hereditary cancer-predisposing syndrome. Last evaluated: 2023-03-23. Review status: criteria provided, single submitter. Criteria: Dines et al. (Genet Med. 2020). Collection method: curation. Allele origin: germline.
Comment: Missense variant in a coldspot region where missense variants are very unlikely to be pathogenic (PMID:31911673).

BRCA2 exon 10 coldspot. Reclassification based on statistical prior probability.

Labcorp Genetics (formerly Invitae), Labcorp
Classification: Uncertain significance for Hereditary breast ovarian cancer syndrome. Last evaluated: 2022-10-12. Review status: criteria provided, single submitter. Criteria: Invitae Variant Classification Sherloc (09022015). Collection method: clinical testing. Allele origin: germline.
Comment: In summary, the available evidence is currently insufficient to determine the role of this variant in disease. Therefore, it has been classified as a Variant of Uncertain Significance. Advanced modeling of protein sequence and biophysical properties (such as structural, functional, and spatial information, amino acid conservation, physicochemical variation, residue mobility, and thermodynamic stability) performed at Invitae indicates that this missense variant is not expected to disrupt BRCA2 protein function. ClinVar contains an entry for this variant (Variation ID: 418077). This missense change has been observed in individual(s) with hereditary breast cancer and/or ovarian cancer (PMID: 32438681). This variant is not present in population databases (gnomAD no frequency). This sequence change replaces threonine, which is neutral and polar, with isoleucine, which is neutral and non-polar, at codon 441 of the BRCA2 protein (p.Thr441Ile).

Women's Health and Genetics/Laboratory Corporation of America, LabCorp
Classification: Uncertain significance. Last evaluated: 2022-02-10. Review status: criteria provided, single submitter. Criteria: LabCorp Variant Classification Summary - May 2015. Collection method: clinical testing. Allele origin: germline.
Comment: Variant summary: BRCA2 c.1322C>T (p.Thr441Ile) results in a non-conservative amino acid change in the encoded protein sequence. Three of five in-silico tools predict a benign effect of the variant on protein function. The variant was absent in 246594 control chromosomes. The available data on variant occurrences in the general population are insufficient to allow any conclusion about variant significance. The variant has been reported in the literature as a somatic occurrence in triple negative breast cancer (Pop_2018) as well as in a patient with HBOC (Santonocito_2020), without strong evidence for causality. These reports do not provide unequivocal conclusions about association of the variant with Hereditary Breast And Ovarian Cancer Syndrome. To our knowledge, no experimental evidence demonstrating an impact on protein function has been reported. One clinical diagnostic laboratory has submitted clinical-significance assessments for this variant to ClinVar after 2014 without evidence for independent evaluation. One laboratory classified the variant as uncertain significance. Based on the evidence outlined above, the variant was classified as uncertain significance.

GeneDx
Classification: Uncertain significance. Last evaluated: 2015-02-25. Review status: criteria provided, single submitter. Criteria: GeneDx Variant Classification (06012015). Collection method: clinical testing. Allele origin: germline. Affected: yes.
Comment: This variant is denoted BRCA2 c.1322C>T at the cDNA level, p.Thr441Ile (T441I) at the protein level, and results in the change of a Threonine to an Isoleucine (ACT>ATT). Using alternate nomenclature, this variant would be defined as BRCA2 1550C>T. This variant has not, to our knowledge, been published in the literature as pathogenic or benign. BRCA2 Thr441Ile was not observed in approximately 6,500 individuals of European and African American ancestry in the NHLBI Exome Sequencing Project, indicating it is not a common benign variant in these populations. Since Threonine and Isoleucine differ in polarity, charge, size or other properties, this is considered a non-conservative amino acid substitution. BRCA2 Thr441Ile occurs at a position that is not conserved across species and is not located in a known functional domain (UniProt). In silico analyses predict that this variant is unlikely to alter protein structure or function. Based on currently available information, it is unclear whether BRCA2 Thr441Ile is pathogenic or benign. We consider it to be a variant of uncertain significance.

Literature cited by the submitters: PubMed 32438681 (cited by Labcorp Genetics (formerly Invitae), Labcorp and Women's Health and Genetics/Laboratory Corporation of America, LabCorp); PubMed 29202330 (cited by Women's Health and Genetics/Laboratory Corporation of America, LabCorp).